The following is an entry in ClinVar:

ClinVar aggregate classification (germline): Uncertain significance (1 of 4 stars; one submission).

Allele frequency attached by ClinVar (database versions not stated): TOPMed below 0.00001; gnomAD 0.00001.
gnomAD v4.1: 1 of 1,613,882 alleles (0.000062%); highest among the groups gnomAD compares: Non-Finnish European, 0.000085%; no homozygotes.

Submission:

Ambry Genetics
Classification: Uncertain significance. Last evaluated: 2022-07-18. Review status: criteria provided, single submitter. Criteria: Ambry Variant Classification Scheme 2023. Collection method: clinical testing. Allele origin: germline.
Comment: The p.Q636K variant (also known as c.1906C>A), located in coding exon 3 of the ALPK2 gene, results from a C to A substitution at nucleotide position 1906. The glutamine at codon 636 is replaced by lysine, an amino acid with similar properties. This amino acid position is conserved. In addition, this alteration is predicted to be tolerated by in silico analysis. Since supporting evidence is limited at this time, the clinical significance of this alteration remains unclear.

NM_052947.4(ALPK2):c.1906C>A (p.Gln636Lys)

Gene: ALPK2 (alpha kinase 2; minus strand). Cytogenetic location: 18q21.31.
Variant type: single nucleotide variant.
Coding change: c.1906C>A on transcript NM_052947.4 (MANE Select); coding-DNA position 1906, C replaced by A.
Protein change: p.Gln636Lys; replaces glutamine 636 with lysine.
Molecular consequence: missense variant.
Genome position (GRCh38, 1-based): chr18:58,578,870, G>T on the plus strand (C>A on the coding strand, the complement: ALPK2 is on the minus strand). VCF-style: chr18-58578870-G-T. GRCh37 (hg19) VCF-style: chr18-56246102-G-T.
Other names: short protein forms Q636K.
Identifiers: ClinVar variation 1782391 (VCV001782391.2), dbSNP rs1194038720, ClinGen allele CA402559544.